The following is an entry in ClinVar:

NM_000138.5(FBN1):c.395A>G (p.Asp132Gly)

Gene: FBN1 (fibrillin 1; minus strand). Cytogenetic location: 15q21.1.
Variant type: single nucleotide variant.
Coding change: c.395A>G on transcript NM_000138.5 (MANE Select); coding-DNA position 395, A replaced by G.
Protein change: p.Asp132Gly; replaces aspartic acid 132 with glycine.
Molecular consequence: missense variant.
Genome position (GRCh38, 1-based): chr15:48,600,186, T>C on the plus strand (A>G on the coding strand, the complement: FBN1 is on the minus strand). VCF-style: chr15-48600186-T-C. GRCh37 (hg19) VCF-style: chr15-48892383-T-C.
Other names: c.395A>G, p.Asp132Gly (NM_001406716.1, NM_001406717.1); short protein forms D132G.
Identifiers: ClinVar variation 3893829 (VCV003893829.2).

ClinVar aggregate classification (germline): Uncertain significance (1 of 4 stars; one submission).

Conditions:
Familial thoracic aortic aneurysm and aortic dissection (TAAD). Also called: Thoracic aortic aneurysms and dissections. Identifiers: Orphanet 91387, MedGen C4707243, MONDO:0019625.

Submission:

Color Diagnostics, LLC DBA Color Health
Classification: Uncertain significance for Familial thoracic aortic aneurysm and aortic dissection. Last evaluated: 2025-11-03. Review status: criteria provided, single submitter. Criteria: ACMG Guidelines, 2015. Collection method: clinical testing. Allele origin: germline.
Comment: This missense variant replaces aspartic acid with glycine at codon 132 of the FBN1 protein. Computational prediction suggests that this variant may not impact protein structure and function. To our knowledge, functional studies have not been reported for this variant. This variant has not been reported in individuals affected with FBN1-related disorders in the literature. This variant has not been identified in the general population by the Genome Aggregation Database (gnomAD). The available evidence is insufficient to determine the role of this variant in disease conclusively. Therefore, this variant is classified as a Variant of Uncertain Significance.